The following is an entry in ClinVar:

ClinVar aggregate classification (germline): Benign/Likely benign. Review status: criteria provided, multiple submitters, no conflicts (2 of 4 stars). 3 submissions from 2 submitters: Benign (2); Likely benign (1). Last evaluated 2021-08-17.

Conditions:
Autosomal recessive nonsyndromic hearing loss 37. Identifiers: Orphanet 90636, MedGen C1843028, MONDO:0011912, OMIM 607821.
Autosomal dominant nonsyndromic hearing loss 22. Also called: Autosomal dominant nonsyndromic deafness 22; DFNA 22. Identifiers: Orphanet 228012, MedGen C2931767, MONDO:0011660, OMIM 606346.

Allele frequency attached by ClinVar (database versions not stated): gnomAD 0.01597 and 0.01688; TOPMed 0.01749; 1000 Genomes Project 0.01957; 1000 Genomes Project 30x 0.02030.

Submissions (3):

GeneDx
Classification: Benign. Last evaluated: 2021-08-17. Review status: criteria provided, single submitter. Criteria: GeneDx Variant Classification Process June 2021. Collection method: clinical testing. Allele origin: germline. Affected: yes.

Illumina Laboratory Services, Illumina
Classification: Benign for Autosomal dominant nonsyndromic hearing loss 22. Last evaluated: 2018-01-13. Review status: criteria provided, single submitter. Criteria: ICSL Variant Classification Criteria 13 December 2019. Collection method: clinical testing. Allele origin: germline.
Comment: This variant was observed in the ICSL laboratory as part of a predisposition screen in an ostensibly healthy population. It had not been previously curated by ICSL or reported in the Human Gene Mutation Database (HGMD: prior to June 1st, 2018), and was therefore a candidate for classification through an automated scoring system. Utilizing variant allele frequency, disease prevalence and penetrance estimates, and inheritance mode, an automated score was calculated to assess if this variant is too frequent to cause the disease. Based on the score and internal cut-off values, a variant classified as benign is not then subjected to further curation. The score for this variant resulted in a classification of benign for this disease.

Illumina Laboratory Services, Illumina
Classification: Likely benign for Autosomal recessive nonsyndromic hearing loss 37. Last evaluated: 2018-01-13. Review status: criteria provided, single submitter. Criteria: ICSL Variant Classification Criteria 13 December 2019. Collection method: clinical testing. Allele origin: germline.
Comment: This variant was observed in the ICSL laboratory as part of a predisposition screen in an ostensibly healthy population. It had not been previously curated by ICSL or reported in the Human Gene Mutation Database (HGMD: prior to June 1st, 2018), and was therefore a candidate for classification through an automated scoring system. Utilizing variant allele frequency, disease prevalence and penetrance estimates, and inheritance mode, an automated score was calculated to assess if this variant is too frequent to cause the disease. Based on the score and internal cut-off values, a variant classified as likely benign is not then subjected to further curation. The score for this variant resulted in a classification of likely benign for this disease.

NM_004999.4(MYO6):c.*3546A>G

Gene: MYO6 (myosin VI; plus strand). Cytogenetic location: 6q14.1.
Variant type: single nucleotide variant.
Coding change: c.*3546A>G on transcript NM_004999.4 (MANE Select); 3546 bases downstream of the stop codon, A replaced by G.
Molecular consequence: 3 prime UTR variant. On other transcripts: non-coding transcript variant (1).
Genome position (GRCh38, 1-based): chr6:75,918,558, A>G. VCF-style: chr6-75918558-A-G. GRCh37 (hg19) VCF-style: chr6-76628275-A-G.
Other names: c.*3546A>G (NM_001300899.2, NM_001368136.1, NM_001368137.1 and 3 more transcripts).
Identifiers: ClinVar variation 358046 (VCV000358046.6), dbSNP rs73751758, ClinGen allele CA10627654.